The following is an entry in ClinVar:

NM_201384.3(PLEC):c.6806A>C (p.Glu2269Ala)

Gene: PLEC (plectin; minus strand). Cytogenetic location: 8q24.3.
Variant type: single nucleotide variant.
Coding change: c.6806A>C on transcript NM_201384.3 (MANE Select); coding-DNA position 6806, A replaced by C.
Protein change: p.Glu2269Ala; replaces glutamic acid 2269 with alanine.
Molecular consequence: missense variant.
Genome position (GRCh38, 1-based): chr8:143,923,123, T>G on the plus strand (A>C on the coding strand, the complement: PLEC is on the minus strand). VCF-style: chr8-143923123-T-G. GRCh37 (hg19) VCF-style: chr8-144997291-T-G.
Other names: c.6887A>C, p.Glu2296Ala (NM_000445.5); c.6764A>C, p.Glu2255Ala (NM_201378.4); c.6740A>C, p.Glu2247Ala (NM_201379.3); c.7217A>C, p.Glu2406Ala (NM_201380.4); c.6710A>C, p.Glu2237Ala (NM_201381.3); c.6806A>C, p.Glu2269Ala (NM_201382.4); c.6818A>C, p.Glu2273Ala (NM_201383.3); short protein forms E2237A, E2247A, E2273A, E2406A, E2255A, E2269A, E2296A.
Identifiers: ClinVar variation 2248409 (VCV002248409.5), dbSNP rs1823491647, ClinGen allele CA372532334.

ClinVar aggregate classification (germline): Uncertain significance. Review status: criteria provided, multiple submitters, no conflicts (2 of 4 stars). 2 submissions from 2 submitters: Uncertain significance (2). Last evaluated 2023-05-22.

Conditions:
Epidermolysis bullosa simplex 5B, with muscular dystrophy (EBS5B). Also called: Epidermolysis bullosa simplex with muscular dystrophy; EPIDERMOLYSIS BULLOSA SIMPLEX AND LIMB-GIRDLE MUSCULAR DYSTROPHY. Identifiers: Orphanet 257, MedGen C2931072, MONDO:0009181, OMIM 226670.
Epidermolysis bullosa simplex, Ogna type (EBS5A). Also called: EPIDERMOLYSIS BULLOSA SIMPLEX 5A, OGNA TYPE; Pidermolysis bullosa simplex 5A, Ogna type. Identifiers: Orphanet 79401, MedGen C0432317, MONDO:0007555, OMIM 131950.
Epidermolysis bullosa simplex 5C, with pyloric atresia (EBS5C). Also called: PLEC-Related Epidermolysis Bullosa with Pyloric Atresia; Epidermolysis bullosa simplex with pyloric atresia; PLEC1-Related Epidermolysis Bullosa with Pyloric Atresia. Identifiers: Orphanet 158684, MedGen C2677349, MONDO:0012807, OMIM 612138.
Autosomal recessive limb-girdle muscular dystrophy type 2Q (LGMDR17). Also called: MUSCULAR DYSTROPHY, LIMB-GIRDLE, AUTOSOMAL RECESSIVE 17. Identifiers: Orphanet 254361, MedGen C3150989, MONDO:0013390, OMIM 613723.
Epidermolysis bullosa simplex with nail dystrophy (EBS5D). Identifiers: MedGen C4225309, MONDO:0014661, OMIM 616487.
Inborn genetic diseases. Identifiers: MedGen C0950123, MeSH D030342.

Allele frequency attached by ClinVar (database versions not stated): TOPMed 0.00001.

Submissions (2):

Labcorp Genetics (formerly Invitae), Labcorp
Classification: Uncertain significance for Autosomal recessive limb-girdle muscular dystrophy type 2Q; Epidermolysis bullosa simplex, Ogna type; Epidermolysis bullosa simplex with nail dystrophy; Epidermolysis bullosa simplex 5C, with pyloric atresia; Epidermolysis bullosa simplex 5B, with muscular dystrophy. Last evaluated: 2023-05-22. Review status: criteria provided, single submitter. Criteria: Invitae Variant Classification Sherloc (09022015). Collection method: clinical testing. Allele origin: germline.
Comment: This sequence change replaces glutamic acid, which is acidic and polar, with alanine, which is neutral and non-polar, at codon 2296 of the PLEC protein (p.Glu2296Ala). In summary, the available evidence is currently insufficient to determine the role of this variant in disease. Therefore, it has been classified as a Variant of Uncertain Significance. An algorithm developed to predict the effect of missense changes on protein structure and function (PolyPhen-2) suggests that this variant is likely to be disruptive. ClinVar contains an entry for this variant (Variation ID: 2248409). This variant has not been reported in the literature in individuals affected with PLEC-related conditions. This variant is not present in population databases (gnomAD no frequency).

Ambry Genetics
Classification: Uncertain significance for Inborn genetic diseases. Last evaluated: 2021-09-01. Review status: criteria provided, single submitter. Criteria: Ambry Variant Classification Scheme 2023. Collection method: clinical testing. Allele origin: germline.